The following is an entry in ClinVar:

ClinVar aggregate classification (germline): Uncertain significance (1 of 4 stars; one submission).

gnomAD v4.1: 5 of 1,547,226 alleles (0.00032%); highest among the groups gnomAD compares: African/African-American, 0.0014%; no homozygotes.

Submission:

Labcorp Genetics (formerly Invitae), Labcorp
Classification: Uncertain significance. Last evaluated: 2022-06-05. Review status: criteria provided, single submitter. Criteria: Invitae Variant Classification Sherloc (09022015). Collection method: clinical testing. Allele origin: germline.
Comment: This variant has not been reported in the literature in individuals affected with SLC25A1-related conditions. ClinVar contains an entry for this variant (Variation ID: 1394050). Algorithms developed to predict the effect of missense changes on protein structure and function are either unavailable or do not agree on the potential impact of this missense change (SIFT: "Deleterious"; PolyPhen-2: "Probably Damaging"; Align-GVGD: "Class C0"). In summary, the available evidence is currently insufficient to determine the role of this variant in disease. Therefore, it has been classified as a Variant of Uncertain Significance. This variant is not present in population databases (gnomAD no frequency). This sequence change replaces glycine, which is neutral and non-polar, with aspartic acid, which is acidic and polar, at codon 33 of the SLC25A1 protein (p.Gly33Asp).

NM_005984.5(SLC25A1):c.98G>A (p.Gly33Asp)

Gene: SLC25A1 (solute carrier family 25 member 1; minus strand). Cytogenetic location: 22q11.21.
Variant type: single nucleotide variant.
Coding change: c.98G>A on transcript NM_005984.5 (MANE Select); coding-DNA position 98, G replaced by A.
Protein change: p.Gly33Asp; replaces glycine 33 with aspartic acid.
Molecular consequence: missense variant. On other transcripts: 5 prime UTR variant (1), non-coding transcript variant (1).
Genome position (GRCh38, 1-based): chr22:19,178,237, C>T on the plus strand (G>A on the coding strand, the complement: SLC25A1 is on the minus strand). VCF-style: chr22-19178237-C-T. GRCh37 (hg19) VCF-style: chr22-19165750-C-T.
Other names: c.119G>A, p.Gly40Asp (NM_001256534.2); c.-212G>A (NM_001287387.2); short protein forms G33D, G40D.
Identifiers: ClinVar variation 1394050 (VCV001394050.6), dbSNP rs2146148309, ClinGen allele CA410643627.